The following is an entry in ClinVar:

NM_152743.4(BRAT1):c.1768C>T (p.Gln590Ter)

Gene: BRAT1 (BRCA1 associated ATM activator 1; minus strand). Cytogenetic location: 7p22.3.
Variant type: single nucleotide variant.
Coding change: c.1768C>T on transcript NM_152743.4 (MANE Select); coding-DNA position 1768, C replaced by T.
Protein change: p.Gln590Ter; replaces glutamine 590 with a stop codon.
Molecular consequence: nonsense. On other transcripts: non-coding transcript variant (1).
Genome position (GRCh38, 1-based): chr7:2,539,181, G>A on the plus strand (C>T on the coding strand, the complement: BRAT1 is on the minus strand). VCF-style: chr7-2539181-G-A. GRCh37 (hg19) VCF-style: chr7-2578815-G-A.
Other names: c.1768C>T, p.Gln590Ter (NM_001350626.2); c.1243C>T, p.Gln415Ter (NM_001350627.2); short protein forms Q415*, Q590*.
Identifiers: ClinVar variation 1070797 (VCV001070797.10), dbSNP rs746081291, ClinGen allele CA4127602.

ClinVar aggregate classification (germline): Pathogenic (1 of 4 stars; one submission).

Conditions:
Neonatal-onset encephalopathy with rigidity and seizures. Also called: Lethal neonatal spasticity-epileptic encephalopathy syndrome. Identifiers: Orphanet 435845, MedGen C3281029, MONDO:0013784, OMIM 614498.

Allele frequency attached by ClinVar (database versions not stated): gnomAD exomes below 0.00001; ExAC 0.00001.
gnomAD v4.1: 3 of 1,597,106 alleles (0.00019%); highest among the groups gnomAD compares: East Asian, 0.0022%; no homozygotes.

Submission:

Labcorp Genetics (formerly Invitae), Labcorp
Classification: Pathogenic for Neonatal-onset encephalopathy with rigidity and seizures. Last evaluated: 2022-05-05. Review status: criteria provided, single submitter. Criteria: Invitae Variant Classification Sherloc (09022015). Collection method: clinical testing. Allele origin: germline.
Comment: This variant disrupts a region of the BRAT1 protein in which other variant(s) (p.Phe709Thrfs*17) have been determined to be pathogenic (PMID: 27480663, 29431110; Invitae). This suggests that this is a clinically significant region of the protein, and that variants that disrupt it are likely to be disease-causing. For these reasons, this variant has been classified as Pathogenic. Algorithms developed to predict the effect of sequence changes on RNA splicing suggest that this variant may disrupt the consensus splice site. This sequence change creates a premature translational stop signal (p.Gln590*) in the BRAT1 gene. While this is not anticipated to result in nonsense mediated decay, it is expected to disrupt the last 232 amino acid(s) of the BRAT1 protein. The frequency data for this variant in the population databases is considered unreliable, as metrics indicate poor data quality at this position in the gnomAD database. This variant has not been reported in the literature in individuals affected with BRAT1-related conditions. ClinVar contains an entry for this variant (Variation ID: 1070797).

Literature cited by the submitters: PubMed 27480663; PubMed 29431110.